The following is an entry in ClinVar:

NM_198859.4(PRICKLE2):c.144+10T>C

Genes: PRICKLE2 (prickle planar cell polarity protein 2; minus strand), PRICKLE2-AS3 (PRICKLE2 antisense RNA 3; plus strand). Cytogenetic location: 3p14.1.
Variant type: single nucleotide variant.
Coding change: c.144+10T>C on transcript NM_198859.4 (MANE Select); 10 bases into the intron after coding-DNA position 144, T replaced by C.
Molecular consequence: intron variant. On other transcripts: non-coding transcript variant (1).
Genome position (GRCh38, 1-based): chr3:64,198,774, A>G on the plus strand (T>C on the coding strand, the complement: PRICKLE2 is on the minus strand). VCF-style: chr3-64198774-A-G. GRCh37 (hg19) VCF-style: chr3-64184450-A-G.
Other names: c.144+10T>C (NM_001370528.1).
Identifiers: ClinVar variation 130031 (VCV000130031.17), dbSNP rs74535153, ClinGen allele CA154771.

ClinVar aggregate classification (germline): Benign. Review status: criteria provided, multiple submitters, no conflicts (2 of 4 stars). 3 submissions from 3 submitters: Benign (2). 1 of the submissions does not count toward it. Last evaluated 2026-01-26.

Conditions:
Progressive myoclonic epilepsy type 5. Identifiers: Orphanet 402082, MedGen C5190799.

Allele frequency attached by ClinVar (database versions not stated): gnomAD exomes 0.00079 and 0.00200; ExAC 0.00241; 1000 Genomes Project 0.00719; gnomAD 0.00742 and 0.00794; 1000 Genomes Project 30x 0.00812; TOPMed 0.00844; ESP Exome Variant Server 0.00953.
gnomAD v4.1: 2,343 of 1,614,030 alleles (0.15%); highest among the groups gnomAD compares: African/African-American, 2.6%; 31 homozygotes.

Submissions (3):

Labcorp Genetics (formerly Invitae), Labcorp
Classification: Benign for Progressive myoclonic epilepsy type 5. Last evaluated: 2026-01-26. Review status: criteria provided, single submitter. Criteria: Invitae Variant Classification Sherloc (09022015). Collection method: clinical testing. Allele origin: germline.

Breakthrough Genomics
Classification: Benign. Review status: criteria provided, single submitter. Criteria: ACMG Guidelines, 2015. Collection method: not provided. Allele origin: germline. Inheritance: Unknown mechanism. Affected: yes.

Genetic Services Laboratory, University of Chicago
Classification: Likely benign for AllHighlyPenetrant. Review status: no assertion criteria provided. Collection method: clinical testing. Allele origin: germline. Inheritance: Autosomal dominant inheritance. Not counted in ClinVar's aggregate classification.
Comment: Likely benign based on allele frequency in 1000 Genomes Project or ESP global frequency and its presence in a patient with a rare or unrelated disease phenotype. NOT Sanger confirmed.